The following is an entry in ClinVar:

ClinVar aggregate classification (germline): Uncertain significance. Review status: criteria provided, multiple submitters, no conflicts (2 of 4 stars). 2 submissions from 2 submitters: Uncertain significance (2). Last evaluated 2025-02-11.

Conditions:
Dilated cardiomyopathy 1G (CMD1G). Identifiers: Orphanet 154, MedGen C1858763, MONDO:0011400, OMIM 604145.
Autosomal recessive limb-girdle muscular dystrophy type 2J (LGMDR10). Also called: MUSCULAR DYSTROPHY, LIMB-GIRDLE, AUTOSOMAL RECESSIVE 10; Limb-girdle muscular dystrophy, type 2J. Identifiers: Orphanet 140922, MedGen C1837342, MONDO:0012127, OMIM 608807.

Allele frequency attached by ClinVar (database versions not stated): gnomAD exomes below 0.00001; gnomAD 0.00001; TOPMed 0.00001.
gnomAD v4.1: 6 of 1,613,568 alleles (0.00037%); highest among the groups gnomAD compares: Admixed American, 0.0017%; no homozygotes.

Submissions (2):

Labcorp Genetics (formerly Invitae), Labcorp
Classification: Uncertain significance for Dilated cardiomyopathy 1G; Autosomal recessive limb-girdle muscular dystrophy type 2J. Last evaluated: 2025-02-11. Review status: criteria provided, single submitter. Criteria: Invitae Variant Classification Sherloc (09022015). Collection method: clinical testing. Allele origin: germline.
Comment: This sequence change replaces leucine, which is neutral and non-polar, with histidine, which is basic and polar, at codon 35280 of the TTN protein (p.Leu35280His). This variant is present in population databases (no rsID available, gnomAD 0.0009%). This variant has not been reported in the literature in individuals affected with TTN-related conditions. ClinVar contains an entry for this variant (Variation ID: 1506699). Experimental studies and prediction algorithms are not available or were not evaluated, and the functional significance of this variant is currently unknown. This variant is located in the M band of TTN (PMID: 25589632). Non-truncating variants in this region may be relevant for neuromuscular disorders, but have not been definitively shown to cause cardiomyopathy (PMID: 23975875). In summary, the available evidence is currently insufficient to determine the role of this variant in disease. Therefore, it has been classified as a Variant of Uncertain Significance.

Revvity Omics, Revvity
Classification: Uncertain significance. Last evaluated: 2022-07-25. Review status: criteria provided, single submitter. Criteria: ACMG Guidelines, 2015. Collection method: clinical testing. Allele origin: germline.

Literature cited by the submitters: PubMed 25589632 (cited by Labcorp Genetics (formerly Invitae), Labcorp); PubMed 23975875 (cited by Labcorp Genetics (formerly Invitae), Labcorp).

NM_001267550.2(TTN):c.105839T>A (p.Leu35280His)

Genes: TTN (titin; minus strand), TTN-AS1 (TTN antisense RNA 1; plus strand), LOC129935183 (ATAC-STARR-seq lymphoblastoid active region 16808; plus strand). Cytogenetic location: 2q31.2.
Variant type: single nucleotide variant.
Coding change: c.105839T>A on transcript NM_001267550.2 (MANE Select); coding-DNA position 105839, T replaced by A.
Protein change: p.Leu35280His; replaces leucine 35280 with histidine.
Molecular consequence: missense variant.
Genome position (GRCh38, 1-based): chr2:178,530,776, A>T on the plus strand (T>A on the coding strand, the complement: TTN is on the minus strand). VCF-style: chr2-178530776-A-T. GRCh37 (hg19) VCF-style: chr2-179395503-A-T.
Other names: c.100916T>A, p.Leu33639His (NM_001256850.1); c.78644T>A, p.Leu26215His (NM_003319.4); c.98135T>A, p.Leu32712His (NM_133378.4); c.79019T>A, p.Leu26340His (NM_133432.3); c.79220T>A, p.Leu26407His (NM_133437.4); short protein forms L26215H, L32712H, L26340H, L33639H, L26407H, L35280H.
Identifiers: ClinVar variation 1506699 (VCV001506699.8), dbSNP rs1451951231, ClinGen allele CA349407634.
Genomic context (GRCh38, chr2:178,530,776, plus strand): 5'-ATCTCTTTAGAAGCTTCTGCTTTCAGGAACTGAGTAATCTTTGGTGGGGCAGAGACTGGG[A>T]GGTGCTGAACTTTCTCTGTTGGTGTTGGTTTTGTCTCTGTGGGTGATACGGCTTTCGGGT-3'
Protein context (NP_001254479.2, residues 35270-35290): KPTPTEKVQH[Leu35280His]PVSAPPKITQ